The following is an entry in ClinVar:

NM_000540.3(RYR1):c.10521G>A (p.Thr3507=)

Gene: RYR1 (ryanodine receptor 1; plus strand). Cytogenetic location: 19q13.2.
Variant type: single nucleotide variant.
Coding change: c.10521G>A on transcript NM_000540.3 (MANE Select); coding-DNA position 10521, G replaced by A.
Protein change: p.Thr3507=; no amino-acid change (threonine 3507 retained).
Molecular consequence: synonymous variant.
Genome position (GRCh38, 1-based): chr19:38,525,397, G>A. VCF-style: chr19-38525397-G-A. GRCh37 (hg19) VCF-style: chr19-39016037-G-A.
Other names: c.10506G>A, p.Thr3502= (NM_001042723.2).
Identifiers: ClinVar variation 2721456 (VCV002721456.5), dbSNP rs767618265, ClinGen allele CA053943.

ClinVar aggregate classification (germline): Likely benign. Review status: criteria provided, multiple submitters, no conflicts (2 of 4 stars). 3 submissions from 3 submitters: Likely benign (3). Last evaluated 2025-01-23.

Conditions:
Malignant hyperthermia, susceptibility to, 1 (MHS1). Also called: Anesthesia related hyperthermia; Malignant hyperpyrexia; Fulminating hyperpyrexia; Pharmacogenic myopathy; Malignant hyperthermia suceptibility 1; RYR1-Related Malignant Hyperthermia Susceptibility. Identifiers: Orphanet 423, MedGen C2930980, MONDO:0007783, OMIM 145600.
RYR1-related disorder. Also called: RYR1-related condition; RYR1-related disorders. Identifiers: MedGen CN239331.

Allele frequency attached by ClinVar (database versions not stated): ExAC 0.00004; gnomAD exomes 0.00002.
gnomAD v4.1: 23 of 1,613,978 alleles (0.0014%); highest among the groups gnomAD compares: South Asian, 0.021%; no homozygotes.

Submissions (3):

Labcorp Genetics (formerly Invitae), Labcorp
Classification: Likely benign for RYR1-related disorder. Last evaluated: 2025-01-23. Review status: criteria provided, single submitter. Criteria: Invitae Variant Classification Sherloc (09022015). Collection method: clinical testing. Allele origin: germline.

All of Us Research Program, National Institutes of Health
Classification: Likely benign for Malignant hyperthermia, susceptibility to, 1. Last evaluated: 2023-10-02. Review status: criteria provided, single submitter. Criteria: ACMG Guidelines, 2015. Collection method: clinical testing. Allele origin: germline. Inheritance: Autosomal dominant inheritance. Observed: 1 variant allele, 1 heterozygote.
Comment: This study involves interpretation of variants in research participants for the purpose of population health screening. Participant phenotype was not available at the time of variant classification. Additional details can be found in publication PMID: 35346344, PMCID: PMC8962531

Color Diagnostics, LLC DBA Color Health
Classification: Likely benign for Malignant hyperthermia, susceptibility to, 1. Last evaluated: 2023-09-20. Review status: criteria provided, single submitter. Criteria: ACMG Guidelines, 2015. Collection method: clinical testing. Allele origin: germline.